The following is an entry in ClinVar:

ClinVar aggregate classification (germline): Conflicting classifications of pathogenicity. Review status: criteria provided, conflicting classifications (1 of 4 stars). 2 submissions from 2 submitters: Uncertain significance (1); Likely benign (1). Last evaluated 2025-05-26.

Conditions:
Inborn genetic diseases. Identifiers: MedGen C0950123, MeSH D030342.

gnomAD v4.1: 3 of 1,612,978 alleles (0.00019%); highest among the groups gnomAD compares: Admixed American, 0.0017%; no homozygotes.

Submissions (2):

Ambry Genetics
Classification: Likely benign for Inborn genetic diseases. Last evaluated: 2025-05-26. Review status: criteria provided, single submitter. Criteria: Ambry Variant Classification Scheme 2023. Collection method: clinical testing. Allele origin: germline.

Women's Health and Genetics/Laboratory Corporation of America, LabCorp
Classification: Uncertain significance. Last evaluated: 2025-01-07. Review status: criteria provided, single submitter. Criteria: LabCorp Variant Classification Summary - May 2015. Collection method: clinical testing. Allele origin: germline.
Comment: Variant summary: GLI2 c.3377G>A (p.Gly1126Glu) results in a non-conservative amino acid change in the encoded protein sequence. Four of five in-silico tools predict a benign effect of the variant on protein function. The variant was absent in 248358 control chromosomes. The available data on variant occurrences in the general population are insufficient to allow any conclusion about variant significance. To our knowledge, no occurrence of c.3377G>A in individuals affected with GLI2-Related Disorders and no experimental evidence demonstrating its impact on protein function have been reported. No submitters have cited clinical-significance assessments for this variant to ClinVar. Based on the evidence outlined above, the variant was classified as uncertain significance.

NM_001374353.1(GLI2):c.3326G>A (p.Gly1109Glu)

Gene: GLI2 (GLI family zinc finger 2; plus strand). Cytogenetic location: 2q14.2.
Variant type: single nucleotide variant.
Coding change: c.3326G>A on transcript NM_001374353.1 (MANE Select); coding-DNA position 3326, G replaced by A.
Protein change: p.Gly1109Glu; replaces glycine 1109 with glutamic acid.
Molecular consequence: missense variant.
Genome position (GRCh38, 1-based): chr2:120,989,291, G>A. VCF-style: chr2-120989291-G-A. GRCh37 (hg19) VCF-style: chr2-121746867-G-A.
Other names: c.3377G>A, p.Gly1126Glu (NM_001371271.1, NM_005270.5); c.2951G>A, p.Gly984Glu (NM_001374354.1); c.3377G>A (NM_005270.4); short protein forms G1109E, G1126E, G984E.
Identifiers: ClinVar variation 3769215 (VCV003769215.3).